The following is an entry in ClinVar:

NM_022124.6(CDH23):c.9503G>A (p.Arg3168His)

Gene: CDH23 (cadherin related 23; plus strand). Cytogenetic location: 10q22.1.
Variant type: single nucleotide variant.
Coding change: c.9503G>A on transcript NM_022124.6 (MANE Select); coding-DNA position 9503, G replaced by A.
Protein change: p.Arg3168His; replaces arginine 3168 with histidine.
Molecular consequence: missense variant.
Genome position (GRCh38, 1-based): chr10:71,812,602, G>A. VCF-style: chr10-71812602-G-A. GRCh37 (hg19) VCF-style: chr10-73572359-G-A.
Other names: c.2783G>A, p.Arg928His (NM_001171933.1, NM_001171934.1); c.194G>A, p.Arg65His (NM_001171935.1, NM_001171936.1); short protein forms R928H, R65H, R3168H.
Identifiers: ClinVar variation 667210 (VCV000667210.8), dbSNP rs754557923, ClinGen allele CA5547096.

ClinVar aggregate classification (germline): Uncertain significance. Review status: criteria provided, multiple submitters, no conflicts (2 of 4 stars). 5 submissions from 5 submitters: Uncertain significance (4). 1 of the submissions does not count toward it. Last evaluated 2026-04-29.

Conditions:
Usher syndrome type 1 (USH1). Also called: RETINITIS PIGMENTOSA AND CONGENITAL DEAFNESS. Identifiers: Orphanet 231169, Orphanet 886, MedGen C1568247, MONDO:0010168, OMIM 276900.

Allele frequency attached by ClinVar (database versions not stated): gnomAD 0.00001; gnomAD exomes 0.00001 and 0.00004; ExAC 0.00002; TOPMed 0.00002.
gnomAD v4.1: 21 of 1,613,804 alleles (0.0013%); highest among the groups gnomAD compares: Admixed American, 0.013%; no homozygotes.

Submissions (5):

GeneDx
Classification: Uncertain significance. Last evaluated: 2026-04-29. Review status: criteria provided, single submitter. Criteria: GeneDx Variant Classification Process June 2021. Collection method: clinical testing. Allele origin: germline.
Comment: In silico analysis suggests that this missense variant does not alter protein structure/function; Has not been previously published as pathogenic or benign to our knowledge

Blueprint Genetics
Classification: Uncertain significance. Last evaluated: 2024-11-20. Review status: criteria provided, single submitter. Criteria: ACMG Guidelines, 2015. Collection method: clinical testing. Allele origin: germline.

Labcorp Genetics (formerly Invitae), Labcorp
Classification: Uncertain significance. Last evaluated: 2022-06-18. Review status: criteria provided, single submitter. Criteria: Invitae Variant Classification Sherloc (09022015). Collection method: clinical testing. Allele origin: germline.
Comment: This sequence change replaces arginine, which is basic and polar, with histidine, which is basic and polar, at codon 3168 of the CDH23 protein (p.Arg3168His). This variant is present in population databases (rs754557923, gnomAD 0.02%). This variant has not been reported in the literature in individuals affected with CDH23-related conditions. ClinVar contains an entry for this variant (Variation ID: 667210). Algorithms developed to predict the effect of missense changes on protein structure and function are either unavailable or do not agree on the potential impact of this missense change (SIFT: "Deleterious"; PolyPhen-2: "Not Available"; Align-GVGD: "Class C0"). In summary, the available evidence is currently insufficient to determine the role of this variant in disease. Therefore, it has been classified as a Variant of Uncertain Significance.

Laboratory for Molecular Medicine, Mass General Brigham Personalized Medicine
Classification: Uncertain significance. Last evaluated: 2018-05-18. Review status: criteria provided, single submitter. Criteria: LMM Criteria. Collection method: clinical testing. Allele origin: germline. Observed: 1 variant allele.
Comment: The p.Arg3168His variant in CDH23 has not been previously reported in individual s with hearing loss or Usher syndrome. This variant has been identified in 6/335 72 of Latino chromosomes by the Genome Aggregation Database (gnomAD; dbSNP rs754557923). Computational prediction tools and co nservation analysis suggest that the p.Arg3168His variant may impact the protein , though this information is not predictive enough to determine pathogenicity. I n summary, the clinical significance of the p.Arg3168His variant is uncertain. A CMG/AMP Criteria applied: PP3.

Natera, Inc.
Classification: Uncertain significance for Usher syndrome type 1. Last evaluated: 2020-09-16. Review status: no assertion criteria provided. Collection method: clinical testing. Allele origin: germline. Not counted in ClinVar's aggregate classification.